The following is an entry in ClinVar:

ClinVar aggregate classification (germline): Uncertain significance. Review status: criteria provided, multiple submitters, no conflicts (2 of 4 stars). 2 submissions from 2 submitters: Uncertain significance (2). Last evaluated 2024-03-02.

gnomAD v4.1: 1 of 1,613,904 alleles (0.000062%); highest among the groups gnomAD compares: Non-Finnish European, 0.000085%; no homozygotes.

Submissions (2):

Labcorp Genetics (formerly Invitae), Labcorp
Classification: Uncertain significance. Last evaluated: 2024-03-02. Review status: criteria provided, single submitter. Criteria: Invitae Variant Classification Sherloc (09022015). Collection method: clinical testing. Allele origin: germline.
Comment: This sequence change replaces serine, which is neutral and polar, with tyrosine, which is neutral and polar, at codon 467 of the NEDD4L protein (p.Ser467Tyr). This variant is not present in population databases (gnomAD no frequency). This variant has not been reported in the literature in individuals affected with NEDD4L-related conditions. An algorithm developed to predict the effect of missense changes on protein structure and function (PolyPhen-2) suggests that this variant is likely to be tolerated. In summary, the available evidence is currently insufficient to determine the role of this variant in disease. Therefore, it has been classified as a Variant of Uncertain Significance.

GeneDx
Classification: Uncertain significance. Last evaluated: 2023-12-28. Review status: criteria provided, single submitter. Criteria: GeneDx Variant Classification Process June 2021. Collection method: clinical testing. Allele origin: germline. Affected: yes.
Comment: Not observed at significant frequency in large population cohorts (gnomAD); In silico analysis supports that this missense variant has a deleterious effect on protein structure/function; Has not been previously published as pathogenic or benign to our knowledge

NM_001144967.3(NEDD4L):c.1460C>A (p.Ser487Tyr)

Gene: NEDD4L (NEDD4 like E3 ubiquitin protein ligase; plus strand). Cytogenetic location: 18q21.31.
Variant type: single nucleotide variant.
Coding change: c.1460C>A on transcript NM_001144967.3 (MANE Select); coding-DNA position 1460, C replaced by A.
Protein change: p.Ser487Tyr; replaces serine 487 with tyrosine.
Molecular consequence: missense variant.
Genome position (GRCh38, 1-based): chr18:58,342,988, C>A. VCF-style: chr18-58342988-C-A. GRCh37 (hg19) VCF-style: chr18-56010220-C-A.
Other names: c.1097C>A, p.Ser366Tyr (NM_001144964.1, NM_001144965.2, NM_001144966.3); c.1436C>A, p.Ser479Tyr (NM_001144968.2); c.1376C>A, p.Ser459Tyr (NM_001144969.2); c.1037C>A, p.Ser346Tyr (NM_001144970.3, NM_001144971.2); c.1268C>A, p.Ser423Tyr (NM_001243960.2); c.1400C>A, p.Ser467Tyr (NM_015277.6); short protein forms S346Y, S366Y, S423Y, S459Y, S467Y, S479Y, S487Y.
Identifiers: ClinVar variation 3367389 (VCV003367389.3).
Genomic context (GRCh38, chr18:58,342,988, plus strand): 5'-GTCGGGCTGTGAAAGACACCCTTTCCAACCCACAGTCCCCACAGCCATCACCTTACAACT[C>A]CCCCAAACCACAACACAAAGTCACACAGAGCTTCTTGCCACCCGGCTGGGAAATGAGGAT-3'
Protein context (NP_001138439.1, residues 477-497): PQSPQPSPYN[Ser487Tyr]PKPQHKVTQS